The following is an entry in ClinVar:

ClinVar aggregate classification (germline): Uncertain significance (1 of 4 stars; one submission).

gnomAD v4.1: 12 of 1,614,120 alleles (0.00074%); highest among the groups gnomAD compares: African/African-American, 0.004%; no homozygotes.

Submission:

Labcorp Genetics (formerly Invitae), Labcorp
Classification: Uncertain significance. Last evaluated: 2025-10-26. Review status: criteria provided, single submitter. Criteria: Invitae Variant Classification Sherloc (09022015). Collection method: clinical testing. Allele origin: germline.
Comment: This sequence change replaces valine, which is neutral and non-polar, with methionine, which is neutral and non-polar, at codon 417 of the NFE2L2 protein (p.Val417Met). This variant is present in population databases (rs746016111, gnomAD 0.003%). This variant has not been reported in the literature in individuals affected with NFE2L2-related conditions. Invitae Evidence Modeling of protein sequence and biophysical properties (such as structural, functional, and spatial information, amino acid conservation, physicochemical variation, residue mobility, and thermodynamic stability) indicates that this missense variant is not expected to disrupt NFE2L2 protein function with a negative predictive value of 80%. In summary, the available evidence is currently insufficient to determine the role of this variant in disease. Therefore, it has been classified as a Variant of Uncertain Significance.

NM_006164.5(NFE2L2):c.1249G>A (p.Val417Met)

Gene: NFE2L2 (NFE2 like bZIP transcription factor 2; minus strand). Cytogenetic location: 2q31.2.
Variant type: single nucleotide variant.
Coding change: c.1249G>A on transcript NM_006164.5 (MANE Select); coding-DNA position 1249, G replaced by A.
Protein change: p.Val417Met; replaces valine 417 with methionine.
Molecular consequence: missense variant.
Genome position (GRCh38, 1-based): chr2:177,231,354, C>T on the plus strand (G>A on the coding strand, the complement: NFE2L2 is on the minus strand). VCF-style: chr2-177231354-C-T. GRCh37 (hg19) VCF-style: chr2-178096082-C-T.
Other names: c.1201G>A, p.Val401Met (NM_001145412.3, NM_001313900.1, NM_001313901.1); c.1180G>A, p.Val394Met (NM_001145413.3); c.1159G>A, p.Val387Met (NM_001313902.2); c.1030G>A, p.Val344Met (NM_001313903.2); c.949G>A, p.Val317Met (NM_001313904.1); short protein forms V387M, V394M, V417M, V317M, V344M, V401M.
Identifiers: ClinVar variation 4737729 (VCV004737729.1).